The following is an entry in ClinVar:

ClinVar aggregate classification (germline): Pathogenic (0 of 4 stars; one submission).

Conditions:
Pyruvate dehydrogenase E1-alpha deficiency (PDHAD). Also called: ATAXIA, INTERMITTENT, WITH PYRUVATE DEHYDROGENASE DEFICIENCY; ATAXIA WITH LACTIC ACIDOSIS I; ATAXIA, INTERMITTENT, WITH ABNORMAL PYRUVATE METABOLISM; Ataxia, intermittent, with pyruvate dehydrogenase, or decarboxylase, deficiency. Identifiers: Orphanet 79243, MedGen C1839413, MONDO:0010717, OMIM 312170.

Submission:

PDHA1 Study Group, University Children’s Hospital, Paracelsus Medical University
Classification: Pathogenic for Pyruvate dehydrogenase E1-alpha deficiency. Last evaluated: 2024-10-15. Review status: no assertion criteria provided. Collection method: research. Allele origin: germline. Affected: yes. Observed: 1 variant allele.
Comment: The NM_000284.3:c.1093_1112dup (p.Ser371ArgfsTer60) change is a frameshift variant in PDHA1 gene. This variant is predicted to escape nonsense-mediated decay (NMD). The variant has been reported in 1 published case (PMIDs: 8664900). Last literature search: July 12, 2024. This variant is absent or extremely rare in population-based cohorts in the Genome Aggregation Database (gnomAD). Individuals harboring this variant presented with clinical features compatible with PDHA1-related PDHc deficiency. In summary, this variant meets criteria to be classified as pathogenic (P) for PDHA1-related PDHc deficiency based on the ACMG/AMP criteria applied: PVS1, PS3, PM2, PM7 (last assessment October 15, 2024).

Literature cited by the submitters: PubMed 8664900; DOI 10.1093/brain/awaf430.

NM_000284.4(PDHA1):c.1093_1112dup (p.Ser371fs)

Gene: PDHA1 (pyruvate dehydrogenase E1 subunit alpha 1; plus strand). Cytogenetic location: Xp22.12.
Variant type: Duplication.
Coding change: c.1093_1112dup on transcript NM_000284.4 (MANE Select); coding-DNA positions 1093 to 1112, 20 bases duplicated (GGCTACCACATCTACTCCAG).
Protein change: p.Ser371fs; shifts the reading frame from serine 371.
Molecular consequence: frameshift variant.
Genome position (GRCh38, 1-based): chrX:19,359,573-19,359,592, GGCTACCACATCTACTCCAG duplicated; duplicating any 20 consecutive bases within chrX:19,359,572-19,359,592 gives the same sequence; the c. name uses the placement nearest the transcript's 3' end. VCF-style (leftmost placement, unchanged base first): chrX-19359571-T-TGGGCTACCACATCTACTCCA. GRCh37 (hg19) VCF-style: chrX-19377689-T-TGGGCTACCACATCTACTCCA.
Other names: c.1207_1226dup, p.Ser409fs (NM_001173454.2); c.1114_1133dup, p.Ser378fs (NM_001173455.2); c.1000_1019dup, p.Ser340fs (NM_001173456.2); short protein forms S340fs, S371fs, S378fs, S409fs.
Identifiers: ClinVar variation 4070451 (VCV004070451.1).